The following is an entry in ClinVar:

NM_021930.6(RINT1):c.113T>C (p.Ile38Thr)

Gene: RINT1 (RAD50 interactor 1; plus strand). Cytogenetic location: 7q22.3.
Variant type: single nucleotide variant.
Coding change: c.113T>C on transcript NM_021930.6 (MANE Select); coding-DNA position 113, T replaced by C.
Protein change: p.Ile38Thr; replaces isoleucine 38 with threonine.
Molecular consequence: missense variant. On other transcripts: synonymous variant (1), 5 prime UTR variant (3), non-coding transcript variant (1).
Genome position (GRCh38, 1-based): chr7:105,536,589, T>C. VCF-style: chr7-105536589-T-C. GRCh37 (hg19) VCF-style: chr7-105177036-T-C.
Other names: c.16T>C, p.Leu6= (NM_001346599.2); c.-907T>C (NM_001346600.2); c.-810T>C (NM_001346601.2); c.-430T>C (NM_001346603.2); short protein forms I38T.
Identifiers: ClinVar variation 241393 (VCV000241393.14), dbSNP rs775736541, ClinGen allele CA10582457.

ClinVar aggregate classification (germline): Uncertain significance. Review status: criteria provided, multiple submitters, no conflicts (2 of 4 stars). 2 submissions from 2 submitters: Uncertain significance (2). Last evaluated 2024-09-13.

Allele frequency attached by ClinVar (database versions not stated): gnomAD 0.00001; gnomAD exomes 0.00001 and 0.00002; TOPMed 0.00002.
gnomAD v4.1: 21 of 1,601,784 alleles (0.0013%); highest among the groups gnomAD compares: East Asian, 0.011%; no homozygotes.

Submissions (2):

Ambry Genetics
Classification: Uncertain significance. Last evaluated: 2024-09-13. Review status: criteria provided, single submitter. Criteria: Ambry Variant Classification Scheme 2023. Collection method: clinical testing. Allele origin: germline.
Comment: The p.I38T variant (also known as c.113T>C), located in coding exon 3 of the RINT1 gene, results from a T to C substitution at nucleotide position 113. The isoleucine at codon 38 is replaced by threonine, an amino acid with similar properties. This amino acid position is conserved. In addition, this alteration is predicted to be tolerated by in silico analysis. Since supporting evidence is limited at this time, the clinical significance of this alteration remains unclear.

Labcorp Genetics (formerly Invitae), Labcorp
Classification: Uncertain significance. Last evaluated: 2023-08-04. Review status: criteria provided, single submitter. Criteria: Invitae Variant Classification Sherloc (09022015). Collection method: clinical testing. Allele origin: germline.
Comment: This variant is present in population databases (rs775736541, gnomAD 0.01%). In summary, the available evidence is currently insufficient to determine the role of this variant in disease. Therefore, it has been classified as a Variant of Uncertain Significance. Algorithms developed to predict the effect of missense changes on protein structure and function output the following: SIFT: "Not Available"; PolyPhen-2: "Benign"; Align-GVGD: "Not Available". The threonine amino acid residue is found in multiple mammalian species, which suggests that this missense change does not adversely affect protein function. ClinVar contains an entry for this variant (Variation ID: 241393). This variant has not been reported in the literature in individuals affected with RINT1-related conditions. This sequence change replaces isoleucine, which is neutral and non-polar, with threonine, which is neutral and polar, at codon 38 of the RINT1 protein (p.Ile38Thr).